The following is an entry in ClinVar:

NM_182493.3(MYLK3):c.2132C>T (p.Pro711Leu)

Gene: MYLK3 (myosin light chain kinase 3; minus strand). Cytogenetic location: 16q11.2.
Variant type: single nucleotide variant.
Coding change: c.2132C>T on transcript NM_182493.3 (MANE Select); coding-DNA position 2132, C replaced by T.
Protein change: p.Pro711Leu; replaces proline 711 with leucine.
Molecular consequence: missense variant.
Genome position (GRCh38, 1-based): chr16:46,710,772, G>A on the plus strand (C>T on the coding strand, the complement: MYLK3 is on the minus strand). VCF-style: chr16-46710772-G-A. GRCh37 (hg19) VCF-style: chr16-46744684-G-A.
Other names: c.1109C>T, p.Pro370Leu (NM_001308301.1); short protein forms P711L, P370L.
Identifiers: ClinVar variation 1966798 (VCV001966798.5), dbSNP rs2548898124, ClinGen allele CA395786906.

ClinVar aggregate classification (germline): Uncertain significance (1 of 4 stars; one submission).

Submission:

Labcorp Genetics (formerly Invitae), Labcorp
Classification: Uncertain significance. Last evaluated: 2022-04-30. Review status: criteria provided, single submitter. Criteria: Invitae Variant Classification Sherloc (09022015). Collection method: clinical testing. Allele origin: germline.
Comment: In summary, the available evidence is currently insufficient to determine the role of this variant in disease. Therefore, it has been classified as a Variant of Uncertain Significance. Algorithms developed to predict the effect of missense changes on protein structure and function are either unavailable or do not agree on the potential impact of this missense change (SIFT: "Deleterious"; PolyPhen-2: "Probably Damaging"; Align-GVGD: "Class C15"). This variant has not been reported in the literature in individuals affected with MYLK3-related conditions. This variant is not present in population databases (gnomAD no frequency). This sequence change replaces proline, which is neutral and non-polar, with leucine, which is neutral and non-polar, at codon 711 of the MYLK3 protein (p.Pro711Leu).